The following is an entry in ClinVar:

ClinVar aggregate classification (germline): Likely benign (1 of 4 stars; one submission).

Submission:

CeGaT Center for Human Genetics Tuebingen
Classification: Likely benign. Last evaluated: 2022-10-01. Review status: criteria provided, single submitter. Criteria: CeGaT Center For Human Genetics Tuebingen Variant Classification Criteria Version 2. Collection method: clinical testing. Allele origin: germline. Affected: yes. Observed: 1 variant allele.
Comment: PDE10A: PM2:Supporting, BP4, BP7

NM_001385079.1(PDE10A):c.2601C>T (p.Ser867=)

Gene: PDE10A (phosphodiesterase 10A; minus strand). Cytogenetic location: 6q27.
Variant type: single nucleotide variant.
Coding change: c.2601C>T on transcript NM_001385079.1 (MANE Select); coding-DNA position 2601, C replaced by T.
Protein change: p.Ser867=; no amino-acid change (serine 867 retained).
Molecular consequence: synonymous variant.
Genome position (GRCh38, 1-based): chr6:165,388,307, G>A on the plus strand (C>T on the coding strand, the complement: PDE10A is on the minus strand). VCF-style: chr6-165388307-G-A. GRCh37 (hg19) VCF-style: chr6-165801796-G-A.
Other names: c.1773C>T, p.Ser591= (NM_006661.4); c.1803C>T, p.Ser601= (NM_001130690.3).
Identifiers: ClinVar variation 2657123 (VCV002657123.24), dbSNP rs2533658905, ClinGen allele CA453050417.